The following is an entry in ClinVar:

ClinVar aggregate classification (germline): Uncertain significance. Review status: criteria provided, multiple submitters, no conflicts (2 of 4 stars). 2 submissions from 2 submitters: Uncertain significance (2). Last evaluated 2024-11-30.

Conditions:
Pulmonary fibrosis and/or bone marrow failure, Telomere-related, 3. Also called: PULMONARY FIBROSIS AND/OR BONE MARROW FAILURE SYNDROME, TELOMERE-RELATED, 3. Identifiers: Orphanet 2032, MedGen C4225346, MONDO:0014613, OMIM 616373.
Dyskeratosis congenita, autosomal recessive 5 (DKCB5). Identifiers: MedGen C3554656, MONDO:0014076, OMIM 615190.
Inborn genetic diseases. Identifiers: MedGen C0950123, MeSH D030342.

Allele frequency attached by ClinVar (database versions not stated): gnomAD 0.00002; gnomAD exomes below 0.00001; TOPMed 0.00001.
gnomAD v4.1: 7 of 1,612,628 alleles (0.00043%); highest among the groups gnomAD compares: Admixed American, 0.005%; 1 homozygote.

Submissions (2):

Ambry Genetics
Classification: Uncertain significance for Inborn genetic diseases. Last evaluated: 2024-11-30. Review status: criteria provided, single submitter. Criteria: Ambry Variant Classification Scheme 2023. Collection method: clinical testing. Allele origin: germline.
Comment: The p.Q1088E variant (also known as c.3262C>G), located in coding exon 31 of the RTEL1 gene, results from a C to G substitution at nucleotide position 3262. The glutamine at codon 1088 is replaced by glutamic acid, an amino acid with highly similar properties. This amino acid position is conserved. In addition, this alteration is predicted to be tolerated by in silico analysis. Based on the available evidence, the clinical significance of this variant remains unclear.

Labcorp Genetics (formerly Invitae), Labcorp
Classification: Uncertain significance for Dyskeratosis congenita, autosomal recessive 5; Pulmonary fibrosis and/or bone marrow failure, Telomere-related, 3. Last evaluated: 2024-06-10. Review status: criteria provided, single submitter. Criteria: Invitae Variant Classification Sherloc (09022015). Collection method: clinical testing. Allele origin: germline.
Comment: This sequence change replaces glutamine, which is neutral and polar, with glutamic acid, which is acidic and polar, at codon 1088 of the RTEL1 protein (p.Gln1088Glu). This variant is present in population databases (no rsID available, gnomAD 0.006%), including at least one homozygous and/or hemizygous individual. This variant has not been reported in the literature in individuals affected with RTEL1-related conditions. ClinVar contains an entry for this variant (Variation ID: 1469635). An algorithm developed to predict the effect of missense changes on protein structure and function (PolyPhen-2) suggests that this variant is likely to be tolerated. In summary, the available evidence is currently insufficient to determine the role of this variant in disease. Therefore, it has been classified as a Variant of Uncertain Significance.

NM_001283009.2(RTEL1):c.3262C>G (p.Gln1088Glu)

Genes: RTEL1 (regulator of telomere elongation helicase 1; plus strand), RTEL1-TNFRSF6B (RTEL1-TNFRSF6B readthrough (NMD candidate); plus strand). Cytogenetic location: 20q13.33.
Variant type: single nucleotide variant.
Coding change: c.3262C>G on transcript NM_001283009.2 (MANE Select); coding-DNA position 3262, C replaced by G.
Protein change: p.Gln1088Glu; replaces glutamine 1088 with glutamic acid.
Molecular consequence: missense variant. On other transcripts: non-coding transcript variant (1).
Genome position (GRCh38, 1-based): chr20:63,694,893, C>G. VCF-style: chr20-63694893-C-G. GRCh37 (hg19) VCF-style: chr20-62326246-C-G.
Other names: c.2593C>G, p.Gln865Glu (NM_001283010.1); c.3262C>G, p.Gln1088Glu (NM_016434.4); c.3334C>G, p.Gln1112Glu (NM_032957.5); short protein forms Q1112E, Q1088E, Q865E.
Identifiers: ClinVar variation 1469635 (VCV001469635.8), dbSNP rs918462634, ClinGen allele CA317528498.